The following is an entry in ClinVar:

NM_000492.4(CFTR):c.1155T>A (p.Tyr385Ter)

Gene: CFTR (CF transmembrane conductance regulator; plus strand). Cytogenetic location: 7q31.2.
Variant type: single nucleotide variant.
Coding change: c.1155T>A on transcript NM_000492.4 (MANE Select); coding-DNA position 1155, T replaced by A.
Protein change: p.Tyr385Ter; replaces tyrosine 385 with a stop codon.
Molecular consequence: nonsense.
Genome position (GRCh38, 1-based): chr7:117,542,054, T>A. VCF-style: chr7-117542054-T-A. GRCh37 (hg19) VCF-style: chr7-117182108-T-A.
Other names: short protein forms Y385*.
Identifiers: ClinVar variation 2702047 (VCV002702047.3), dbSNP rs2485030309, ClinGen allele CA368980026.
Genomic context (GRCh38, chr7:117,542,054, plus strand): 5'-TTTTGCTCTCTTTTATAAATAGGATTTCTTACAAAAGCAAGAATATAAGACATTGGAATA[T>A]AACTTAACGACTACAGAAGTAGTGATGGAGAATGTAACAGCCTTCTGGGAGGAGGTCAGA-3'

ClinVar aggregate classification (germline): Pathogenic (1 of 4 stars; one submission).

Conditions:
Cystic fibrosis (CF). Also called: MUCOVISCIDOSIS. Identifiers: Orphanet 586, MedGen C0010674, MONDO:0009061, OMIM 219700. Disease mechanism: loss of function.

Submission:

Labcorp Genetics (formerly Invitae), Labcorp
Classification: Pathogenic for Cystic fibrosis. Last evaluated: 2023-12-10. Review status: criteria provided, single submitter. Criteria: Invitae Variant Classification Sherloc (09022015). Collection method: clinical testing. Allele origin: germline.
Comment: This sequence change creates a premature translational stop signal (p.Tyr385*) in the CFTR gene. It is expected to result in an absent or disrupted protein product. Loss-of-function variants in CFTR are known to be pathogenic (PMID: 1695717, 7691345, 9725922). This variant is not present in population databases (gnomAD no frequency). This variant has not been reported in the literature in individuals affected with CFTR-related conditions. For these reasons, this variant has been classified as Pathogenic.

Literature cited by the submitters: PubMed 1695717; PubMed 7691345; PubMed 9725922.